The following is an entry in ClinVar:

ClinVar aggregate classification (germline): Uncertain significance. Review status: criteria provided, multiple submitters, no conflicts (2 of 4 stars). 3 submissions from 3 submitters: Uncertain significance (3). Last evaluated 2025-12-04.

Conditions:
Inborn genetic diseases. Identifiers: MedGen C0950123, MeSH D030342.

Allele frequency attached by ClinVar (database versions not stated): ExAC 0.00001; gnomAD exomes 0.00001; TOPMed 0.00005; gnomAD 0.00007 and 0.00008.

Submissions (3):

Ambry Genetics
Classification: Uncertain significance for Inborn genetic diseases. Last evaluated: 2025-12-04. Review status: criteria provided, single submitter. Criteria: Ambry Variant Classification Scheme 2023. Collection method: clinical testing. Allele origin: germline.

Labcorp Genetics (formerly Invitae), Labcorp
Classification: Uncertain significance. Last evaluated: 2024-10-21. Review status: criteria provided, single submitter. Criteria: Invitae Variant Classification Sherloc (09022015). Collection method: clinical testing. Allele origin: germline.
Comment: This sequence change replaces aspartic acid with glycine at codon 154 of the TULP1 protein (p.Asp154Gly). The aspartic acid residue is weakly conserved and there is a moderate physicochemical difference between aspartic acid and glycine. This variant is present in population databases (rs766387453, gnomAD 0.01%). This variant has not been reported in the literature in individuals affected with TULP1-related conditions. ClinVar contains an entry for this variant (Variation ID: 1370256). An algorithm developed to predict the effect of missense changes on protein structure and function outputs the following: PolyPhen-2: "Benign". The glycine amino acid residue is found in multiple mammalian species, which suggests that this missense change does not adversely affect protein function. In summary, the available evidence is currently insufficient to determine the role of this variant in disease. Therefore, it has been classified as a Variant of Uncertain Significance.

Blueprint Genetics
Classification: Uncertain significance. Last evaluated: 2023-05-31. Review status: criteria provided, single submitter. Criteria: ACMG Guidelines, 2015. Collection method: clinical testing. Allele origin: germline.

NM_003322.6(TULP1):c.461A>G (p.Asp154Gly)

Gene: TULP1 (TUB like protein 1; minus strand). Cytogenetic location: 6p21.31.
Variant type: single nucleotide variant.
Coding change: c.461A>G on transcript NM_003322.6 (MANE Select); coding-DNA position 461, A replaced by G.
Protein change: p.Asp154Gly; replaces aspartic acid 154 with glycine.
Molecular consequence: missense variant.
Genome position (GRCh38, 1-based): chr6:35,510,899, T>C on the plus strand (A>G on the coding strand, the complement: TULP1 is on the minus strand). VCF-style: chr6-35510899-T-C. GRCh37 (hg19) VCF-style: chr6-35478676-T-C.
Other names: c.461A>G (NM_003322.3); c.302A>G, p.Asp101Gly (NM_001289395.2); short protein forms D101G, D154G.
Identifiers: ClinVar variation 1370256 (VCV001370256.8), dbSNP rs766387453, ClinGen allele CA3772915.